The following is an entry in ClinVar:

NM_001009944.3(PKD1):c.10429C>A (p.Leu3477Ile)

Gene: PKD1 (polycystin 1, transient receptor potential channel interacting; minus strand). Cytogenetic location: 16p13.3.
Variant type: single nucleotide variant.
Coding change: c.10429C>A on transcript NM_001009944.3 (MANE Select); coding-DNA position 10429, C replaced by A.
Protein change: p.Leu3477Ile; replaces leucine 3477 with isoleucine.
Molecular consequence: missense variant.
Genome position (GRCh38, 1-based): chr16:2,097,218, G>T on the plus strand (C>A on the coding strand, the complement: PKD1 is on the minus strand). VCF-style: chr16-2097218-G-T. GRCh37 (hg19) VCF-style: chr16-2147219-G-T.
Other names: c.10426C>A, p.Leu3476Ile (NM_000296.4); short protein forms L3476I, L3477I.
Identifiers: ClinVar variation 805135 (VCV000805135.10), dbSNP rs62621452, ClinGen allele CA7829584.

ClinVar aggregate classification (germline): Uncertain significance. Review status: criteria provided, multiple submitters, no conflicts (2 of 4 stars). 2 submissions from 2 submitters: Uncertain significance (2). Last evaluated 2020-02-26.

Conditions:
Polycystic kidney disease, adult type (PKD1). Also called: POLYCYSTIC KIDNEY DISEASE 1 WITH OR WITHOUT POLYCYSTIC LIVER DISEASE; POLYCYSTIC KIDNEY DISEASE, ADULT, TYPE I; Polycystic Kidney, Autosomal Dominant; Polycystic Kidney Disease 1, Autosomal Dominant; Polycystic kidney disease 1; Polycystic kidney disease 1, severe. Identifiers: MedGen C3149841, MONDO:0008263, OMIM 173900.

Allele frequency attached by ClinVar (database versions not stated): gnomAD 0.00006; 1000 Genomes Project 30x 0.00016; 1000 Genomes Project 0.00020; TOPMed 0.00021; ESP Exome Variant Server 0.00031.

Submissions (3):

ARUP Laboratories, Molecular Genetics and Genomics, ARUP Laboratories
Classification: Uncertain significance for Polycystic kidney disease, adult type. Last evaluated: 2020-02-26. Review status: criteria provided, single submitter. Criteria: ARUP Molecular Germline Variant Investigation Process. Collection method: clinical testing. Allele origin: germline.
Comment: The PKD1 c.10429C>A; p.Leu3477Ile variant (rs62621452), to our knowledge, is not reported in the medical literature but is reported in ClinVar (Variation ID: 805135). This variant is found in the general population with an overall allele frequency of 0.014% (32/221756 alleles) in the Genome Aggregation Database. The leucine at codon 3477 is highly conserved, and computational analyses (SIFT, PolyPhen-2) predict that this variant is deleterious. Due to limited information, the clinical significance of the p.Leu3477Ile variant is uncertain at this time.

Athena Diagnostics
Classification: Uncertain significance. Last evaluated: 2019-06-13. Review status: criteria provided, single submitter. Criteria: Athena Diagnostics Criteria. Collection method: clinical testing. Allele origin: germline.

Dr. Peter K. Rogan Lab, Western University
No classification provided (evidence only). Condition: Ovarian serous cystadenocarcinoma. Review status: no classification provided. Collection method: in vitro. Allele origin: not applicable. Functional consequence: retained intron. Not counted in ClinVar's aggregate classification.